The following is an entry in ClinVar:

NM_024675.4(PALB2):c.*1G>A

Gene: PALB2 (partner and localizer of BRCA2; minus strand). Cytogenetic location: 16p12.2.
Variant type: single nucleotide variant.
Coding change: c.*1G>A on transcript NM_024675.4 (MANE Select); 1 bases downstream of the stop codon, G replaced by A.
Molecular consequence: 3 prime UTR variant.
Genome position (GRCh38, 1-based): chr16:23,603,458, C>T on the plus strand (G>A on the coding strand, the complement: PALB2 is on the minus strand). VCF-style: chr16-23603458-C-T. GRCh37 (hg19) VCF-style: chr16-23614779-C-T.
Other names: c.*1G>A (NM_001407296.1, NM_001407297.1, NM_001407298.1 and 10 more transcripts); c.*197G>A (NM_001407301.1, NM_001407302.1, NM_001407310.1 and 2 more transcripts).
Identifiers: ClinVar variation 3903621 (VCV003903621.1).

ClinVar aggregate classification (germline): Benign (1 of 4 stars; one submission).

Conditions:
Familial cancer of breast. Also called: Hereditary breast cancer; hereditary breast carcinoma; BREAST CANCER, FAMILIAL. Identifiers: Orphanet 227535, MedGen C0346153, MONDO:0016419, OMIM 114480. Disease mechanism: loss of function.

Submission:

Myriad Genetics, Inc.
Classification: Benign for Familial cancer of breast. Last evaluated: 2025-01-22. Review status: criteria provided, single submitter. Criteria: Myriad Autosomal Dominant, Autosomal Recessive and X-Linked Classification Criteria (2023). Collection method: clinical testing. Allele origin: unknown.
Comment: This variant is considered benign. This variant occurs in the non-coding 3' untranslated region of the gene, and is not expected to impact protein function.